The following is an entry in ClinVar:

NM_001128840.3(CACNA1D):c.3841A>G (p.Ile1281Val)

Gene: CACNA1D (calcium voltage-gated channel subunit alpha1 D; plus strand). Cytogenetic location: 3p21.1.
Variant type: single nucleotide variant.
Coding change: c.3841A>G on transcript NM_001128840.3 (MANE Select); coding-DNA position 3841, A replaced by G.
Protein change: p.Ile1281Val; replaces isoleucine 1281 with valine.
Molecular consequence: missense variant.
Genome position (GRCh38, 1-based): chr3:53,762,052, A>G. VCF-style: chr3-53762052-A-G. GRCh37 (hg19) VCF-style: chr3-53796079-A-G.
Other names: c.3901A>G, p.Ile1301Val (NM_000720.4); c.3841A>G, p.Ile1281Val (NM_001128839.3); short protein forms I1281V, I1301V.
Identifiers: ClinVar variation 2128310 (VCV002128310.4), dbSNP rs2095306086, ClinGen allele CA353254475.

ClinVar aggregate classification (germline): Uncertain significance (1 of 4 stars; one submission).

Allele frequency attached by ClinVar (database versions not stated): gnomAD exomes below 0.00001; gnomAD 0.00001; TOPMed 0.00001.
gnomAD v4.1: 2 of 1,613,656 alleles (0.00012%); highest among the groups gnomAD compares: African/African-American, 0.0013%; no homozygotes.

Submission:

Labcorp Genetics (formerly Invitae), Labcorp
Classification: Uncertain significance. Last evaluated: 2022-04-20. Review status: criteria provided, single submitter. Criteria: Invitae Variant Classification Sherloc (09022015). Collection method: clinical testing. Allele origin: germline.
Comment: In summary, the available evidence is currently insufficient to determine the role of this variant in disease. Therefore, it has been classified as a Variant of Uncertain Significance. Algorithms developed to predict the effect of missense changes on protein structure and function (SIFT, PolyPhen-2, Align-GVGD) all suggest that this variant is likely to be tolerated. This variant has not been reported in the literature in individuals affected with CACNA1D-related conditions. This variant is not present in population databases (gnomAD no frequency). This sequence change replaces isoleucine, which is neutral and non-polar, with valine, which is neutral and non-polar, at codon 1301 of the CACNA1D protein (p.Ile1301Val).